The following is an entry in ClinVar:

ClinVar aggregate classification (germline): Pathogenic (1 of 4 stars; one submission).

Submission:

Labcorp Genetics (formerly Invitae), Labcorp
Classification: Pathogenic. Last evaluated: 2023-10-12. Review status: criteria provided, single submitter. Criteria: Invitae Variant Classification Sherloc (09022015). Collection method: clinical testing. Allele origin: germline.
Comment: This sequence change creates a premature translational stop signal (p.Ala652Glyfs*56) in the ABCC8 gene. It is expected to result in an absent or disrupted protein product. Loss-of-function variants in ABCC8 are known to be pathogenic (PMID: 20685672, 23345197). This variant is not present in population databases (gnomAD no frequency). This variant has not been reported in the literature in individuals affected with ABCC8-related conditions. For these reasons, this variant has been classified as Pathogenic.

Literature cited by the submitters: PubMed 20685672; PubMed 23345197.

NM_000352.6(ABCC8):c.1955_1958del (p.Ala652fs)

Gene: ABCC8 (ATP binding cassette subfamily C member 8; minus strand). Cytogenetic location: 11p15.1.
Variant type: Deletion.
Coding change: c.1955_1958del on transcript NM_000352.6 (MANE Select); coding-DNA positions 1955 to 1958, 4 bases deleted (CCCG; older notation c.1955_1958delCCCG).
Protein change: p.Ala652fs; shifts the reading frame from alanine 652.
Molecular consequence: frameshift variant. On other transcripts: non-coding transcript variant (1).
Genome position (GRCh38, 1-based): chr11:17,428,371-17,428,374, CGGG deleted on the plus strand (CCCG on the coding strand, the reverse complement: ABCC8 is on the minus strand); deleting any 4 consecutive bases within chr11:17,428,371-17,428,375 gives the same sequence; the c. name uses the placement nearest the transcript's 3' end. VCF-style (leftmost placement, unchanged base first): chr11-17428370-CCGGG-C. GRCh37 (hg19) VCF-style: chr11-17449917-CCGGG-C.
Other names: c.1955_1958del, p.Ala652fs (NM_001287174.3); c.2021_2024del, p.Ala674fs (NM_001351295.2); c.1952_1955del, p.Ala651fs (NM_001351296.2, NM_001351297.2); short protein forms A652fs, A674fs, A651fs.
Identifiers: ClinVar variation 2778759 (VCV002778759.3), dbSNP rs1487238267, ClinGen allele CA674221222.